The following is an entry in ClinVar:

NM_000043.6(FAS):c.404G>A (p.Cys135Tyr)

Gene: FAS (Fas cell surface death receptor; plus strand). Cytogenetic location: 10q23.31.
Variant type: single nucleotide variant.
Coding change: c.404G>A on transcript NM_000043.6 (MANE Select); coding-DNA position 404, G replaced by A.
Protein change: p.Cys135Tyr; replaces cysteine 135 with tyrosine.
Molecular consequence: missense variant. On other transcripts: non-coding transcript variant (1).
Genome position (GRCh38, 1-based): chr10:89,008,958, G>A. VCF-style: chr10-89008958-G-A. GRCh37 (hg19) VCF-style: chr10-90768715-G-A.
Other names: c.404G>A, p.Cys135Tyr (NM_001320619.2, NM_152871.4, NM_152872.4); c.449G>A, p.Cys150Tyr (NM_001410956.1); short protein forms C150Y, C135Y.
Identifiers: ClinVar variation 2136913 (VCV002136913.5), dbSNP rs1404280764, ClinGen allele CA377508737.
Genomic context (GRCh38, chr10:89,008,958, plus strand): 5'-TGGAAATAAACTGCACCCGGACCCAGAATACCAAGTGCAGATGTAAACCAAACTTTTTTT[G>A]TAACTCTACTGTATGTGAACACTGTGACCCTTGCACCAAGTAAGTTTTAGTCTTTCTCTG-3'
Protein context (NP_000034.1, residues 125-145): TKCRCKPNFF[Cys135Tyr]NSTVCEHCDP

ClinVar aggregate classification (germline): Likely pathogenic. Review status: criteria provided, multiple submitters, no conflicts (2 of 4 stars). 2 submissions from 2 submitters: Likely pathogenic (2). Last evaluated 2022-10-26.

Conditions:
FAS-related disorder. Also called: FAS-related condition.
Autoimmune lymphoproliferative syndrome type 1. Also called: AUTOIMMUNE LYMPHOPROLIFERATIVE SYNDROME, TYPE I, AUTOSOMAL DOMINANT. Identifiers: Orphanet 3261, MedGen C2717884, MONDO:0011158, OMIM 601859.

Submissions (2):

Labcorp Genetics (formerly Invitae), Labcorp
Classification: Likely pathogenic for Autoimmune lymphoproliferative syndrome. Last evaluated: 2022-10-26. Review status: criteria provided, single submitter. Criteria: Invitae Variant Classification Sherloc (09022015). Collection method: clinical testing. Allele origin: germline.
Comment: This sequence change replaces cysteine, which is neutral and slightly polar, with tyrosine, which is neutral and polar, at codon 135 of the FAS protein (p.Cys135Tyr). This variant is not present in population databases (gnomAD no frequency). This missense change has been observed in individual(s) with autoimmune lymphoproliferative syndrome (PMID: 21490157, 34573280). Advanced modeling of protein sequence and biophysical properties (such as structural, functional, and spatial information, amino acid conservation, physicochemical variation, residue mobility, and thermodynamic stability) performed at Invitae indicates that this missense variant is expected to disrupt FAS protein function. In summary, the currently available evidence indicates that the variant is pathogenic, but additional data are needed to prove that conclusively. Therefore, this variant has been classified as Likely Pathogenic.

Blueprint Genetics
Classification: Likely pathogenic for FAS-related disorders. Last evaluated: 2021-10-27. Review status: criteria provided, single submitter. Criteria: ACMG Guidelines, 2015. Collection method: clinical testing. Allele origin: germline. Affected: yes. Observed: 1 variant allele.

Literature cited by the submitters: PubMed 21490157 (cited by Labcorp Genetics (formerly Invitae), Labcorp); PubMed 34573280 (cited by Labcorp Genetics (formerly Invitae), Labcorp).